The following is an entry in ClinVar:

ClinVar aggregate classification (germline): Benign (0 of 4 stars; one submission).

Conditions:
CCR2-related disorder. Also called: CCR2-related condition.

Allele frequency attached by ClinVar (database versions not stated): gnomAD exomes 0.00040; ExAC 0.00140; 1000 Genomes Project 0.00439; gnomAD 0.00449; 1000 Genomes Project 30x 0.00453; ESP Exome Variant Server 0.00495; TOPMed 0.00539.
gnomAD v4.1: 1,277 of 1,614,104 alleles (0.079%); highest among the groups gnomAD compares: African/African-American, 1.5%; 11 homozygotes.

Submission:

PreventionGenetics, part of Exact Sciences
Classification: Benign for CCR2-related condition. Last evaluated: 2019-11-06. Review status: no assertion criteria provided. Collection method: clinical testing. Allele origin: germline.
Comment: This variant is classified as benign based on ACMG/AMP sequence variant interpretation guidelines (Richards et al. 2015 PMID: 25741868, with internal and published modifications).

NM_001123396.4(CCR2):c.*1189G>A

Gene: CCR2 (C-C motif chemokine receptor 2; plus strand). Cytogenetic location: 3p21.31.
Variant type: single nucleotide variant.
Coding change: c.*1189G>A on transcript NM_001123396.4 (MANE Select); 1189 bases downstream of the stop codon, G replaced by A.
Molecular consequence: 3 prime UTR variant. On other transcripts: missense variant (1).
Genome position (GRCh38, 1-based): chr3:46,359,799, G>A. VCF-style: chr3-46359799-G-A. GRCh37 (hg19) VCF-style: chr3-46401290-G-A.
Other names: c.1064G>A, p.Gly355Glu (NM_001123041.3); short protein forms G355E.
Identifiers: ClinVar variation 3038731 (VCV003038731.2), dbSNP rs3918387, ClinGen allele CA2354502.